The following is an entry in ClinVar:

NM_138694.4(PKHD1):c.1978T>C (p.Cys660Arg)

Gene: PKHD1 (PKHD1 ciliary IPT domain containing fibrocystin/polyductin; minus strand). Cytogenetic location: 6p12.2.
Variant type: single nucleotide variant.
Coding change: c.1978T>C on transcript NM_138694.4 (MANE Select); coding-DNA position 1978, T replaced by C.
Protein change: p.Cys660Arg; replaces cysteine 660 with arginine.
Molecular consequence: missense variant.
Genome position (GRCh38, 1-based): chr6:52,053,238, A>G on the plus strand (T>C on the coding strand, the complement: PKHD1 is on the minus strand). VCF-style: chr6-52053238-A-G. GRCh37 (hg19) VCF-style: chr6-51918036-A-G.
Other names: c.1978T>C, p.Cys660Arg (NM_170724.3); c.1978T>C (NM_138694.3); short protein forms C660R.
Identifiers: ClinVar variation 167494 (VCV000167494.16), dbSNP rs727504092, ClinGen allele CA234582.
Genomic context (GRCh38, chr6:52,053,238, plus strand): 5'-TTGCCGGAGGGGGCTGGAGATCCCCGAAGCAACGCACACAAGTCTCCCAGAGGTCAGTGC[A>G]ATCGAACTGCCAGCTGAAAAACAGCATGGAGCAGAACTGGGCTCTCAGGGAGCACTTGCA-3'
Protein context (NP_619639.3, residues 650-670): RTSPESWQFD[Cys660Arg]TDLWETCVRC

ClinVar aggregate classification (germline): Pathogenic/Likely pathogenic. Review status: criteria provided, multiple submitters, no conflicts (2 of 4 stars). 4 submissions from 4 submitters: Pathogenic (1); Likely pathogenic (2). 1 of the submissions does not count toward it. Last evaluated 2024-05-03.

Conditions:
Polycystic kidney disease 4 (PKD4). Also called: PKD3; POLYCYSTIC KIDNEY DISEASE 4 WITH OR WITHOUT POLYCYSTIC LIVER DISEASE; Autosomal Recessive Polycystic Kidney Disease – PKHD1; POLYCYSTIC KIDNEY AND HEPATIC DISEASE 1; POLYCYSTIC KIDNEY DISEASE, INFANTILE, TYPE I. Identifiers: MedGen C4540575, MONDO:0033004, OMIM 263200.
Autosomal recessive polycystic kidney disease (ARPKD). Also called: AR polycystic kidney disease. Identifiers: Orphanet 731, Orphanet 8378, MedGen C0085548, MeSH D017044, MONDO:0009889.

Submissions (4):

GeneDx
Classification: Likely pathogenic. Last evaluated: 2024-05-03. Review status: criteria provided, single submitter. Criteria: GeneDx Variant Classification Process June 2021. Collection method: clinical testing. Allele origin: germline. Affected: yes.
Comment: Reported with a second variant (phase unknown) in a patient with polycystic kidney disease in published literature (PMID: 33940108); Not observed at significant frequency in large population cohorts (gnomAD); In silico analysis supports that this missense variant has a deleterious effect on protein structure/function; This variant is associated with the following publications: (PMID: 33940108)

Fulgent Genetics
Classification: Likely pathogenic for Polycystic kidney disease 4. Last evaluated: 2024-01-30. Review status: criteria provided, single submitter. Criteria: ACMG Guidelines, 2015. Collection method: clinical testing. Allele origin: germline.

Labcorp Genetics (formerly Invitae), Labcorp
Classification: Pathogenic for Autosomal recessive polycystic kidney disease. Last evaluated: 2023-11-01. Review status: criteria provided, single submitter. Criteria: Invitae Variant Classification Sherloc (09022015). Collection method: clinical testing. Allele origin: germline.
Comment: This sequence change replaces cysteine, which is neutral and slightly polar, with arginine, which is basic and polar, at codon 660 of the PKHD1 protein (p.Cys660Arg). This variant is not present in population databases (gnomAD no frequency). This missense change has been observed in individual(s) with autosomal recessive polycystic kidney disease (PMID: 33940108; Invitae). In at least one individual the data is consistent with being in trans (on the opposite chromosome) from a pathogenic variant. ClinVar contains an entry for this variant (Variation ID: 167494). Advanced modeling of protein sequence and biophysical properties (such as structural, functional, and spatial information, amino acid conservation, physicochemical variation, residue mobility, and thermodynamic stability) performed at Invitae indicates that this missense variant is expected to disrupt PKHD1 protein function with a positive predictive value of 95%. For these reasons, this variant has been classified as Pathogenic.

Eurofins Ntd Llc (ga)
Classification: Uncertain significance. Last evaluated: 2015-10-27. Review status: flagged submission. Criteria: EGL Classification Definitions 2015. Collection method: clinical testing. Allele origin: germline. Observed: 3 variant alleles, 3 heterozygotes. Not counted in ClinVar's aggregate classification.
ClinVar note: Reason: Older and outlier claim with insufficient supporting evidence

Literature cited by the submitters: PubMed 33940108 (cited by Labcorp Genetics (formerly Invitae), Labcorp).